The following is an entry in ClinVar:

NM_000553.6(WRN):c.2952_2953del (p.Leu984fs)

Gene: WRN (WRN RecQ like helicase; plus strand). Cytogenetic location: 8p12.
Variant type: Deletion.
Coding change: c.2952_2953del on transcript NM_000553.6 (MANE Select); coding-DNA positions 2952 to 2953, 2 bases deleted (AT; older notation c.2952_2953delAT).
Protein change: p.Leu984fs; shifts the reading frame from leucine 984.
Molecular consequence: frameshift variant.
Genome position (GRCh38, 1-based): chr8:31,132,491-31,132,492, AT deleted; deleting any 2 consecutive bases within chr8:31,132,490-31,132,492 gives the same sequence; the c. name uses the placement nearest the transcript's 3' end. VCF-style (leftmost placement, unchanged base first): chr8-31132489-TTA-T. GRCh37 (hg19) VCF-style: chr8-30990005-TTA-T.
Other names: short protein forms L984fs.
Identifiers: ClinVar variation 958714 (VCV000958714.7), dbSNP rs1802222407, ClinGen allele CA1139660438.

ClinVar aggregate classification (germline): Pathogenic/Likely pathogenic. Review status: criteria provided, multiple submitters, no conflicts (2 of 4 stars). 2 submissions from 2 submitters: Pathogenic (1); Likely pathogenic (1). Last evaluated 2023-06-22.

Conditions:
Werner syndrome (WRN). Identifiers: Orphanet 902, MedGen C0043119, MONDO:0010196, OMIM 277700.

Submissions (2):

Baylor Genetics
Classification: Likely pathogenic for Werner syndrome. Last evaluated: 2023-06-22. Review status: criteria provided, single submitter. Criteria: ACMG Guidelines, 2015. Collection method: clinical testing. Allele origin: unknown.

Labcorp Genetics (formerly Invitae), Labcorp
Classification: Pathogenic for Werner syndrome. Last evaluated: 2022-09-23. Review status: criteria provided, single submitter. Criteria: Invitae Variant Classification Sherloc (09022015). Collection method: clinical testing. Allele origin: germline.
Comment: For these reasons, this variant has been classified as Pathogenic. This sequence change creates a premature translational stop signal (p.Leu984Phefs*6) in the WRN gene. It is expected to result in an absent or disrupted protein product. Loss-of-function variants in WRN are known to be pathogenic (PMID: 16673358). This variant is not present in population databases (gnomAD no frequency). This variant has not been reported in the literature in individuals affected with WRN-related conditions. ClinVar contains an entry for this variant (Variation ID: 958714).

Literature cited by the submitters: PubMed 16673358 (cited by Labcorp Genetics (formerly Invitae), Labcorp).